The following is an entry in ClinVar:

ClinVar aggregate classification (germline): Uncertain significance (1 of 4 stars; one submission).

Submission:

GeneDx
Classification: Uncertain significance. Last evaluated: 2019-12-05. Review status: criteria provided, single submitter. Criteria: GeneDx Variant Classification Process June 2021. Collection method: clinical testing. Allele origin: germline. Affected: yes.
Comment: Has not been previously published as pathogenic or benign to our knowledge; Not observed at a significant frequency in large population cohorts (Lek et al., 2016); Frameshift variant predicted to result in protein truncation as the last 239 amino acids are lost and replaced with 102 incorrect amino acids, similar frameshift variants have not been reported to date

NM_181703.4(GJA5):c.356dup (p.Ser120fs)

Gene: GJA5 (gap junction protein alpha 5; minus strand). Cytogenetic location: 1q21.2.
Variant type: Duplication.
Coding change: c.356dup on transcript NM_181703.4 (MANE Select); coding-DNA position 356, one base duplicated (G; older notation c.356dupG).
Protein change: p.Ser120fs; shifts the reading frame from serine 120.
Molecular consequence: frameshift variant.
Genome position (GRCh38, 1-based): chr1:147,758,883, C duplicated on the plus strand (G on the coding strand, the reverse complement: GJA5 is on the minus strand); the first of 4 consecutive C bases (chr1:147,758,883-147,758,886); duplicating any one gives the same sequence. VCF-style (leftmost placement, unchanged base first): chr1-147758882-G-GC. GRCh37 (hg19) VCF-style: chr1-147230990-G-GC.
Other names: c.356dup, p.Ser120fs (NM_005266.7); short protein forms S120fs.
Identifiers: ClinVar variation 1316007 (VCV001316007.2), dbSNP rs1557943560, ClinGen allele CA916300795.